The following is an entry in ClinVar:

NM_015378.4(VPS13D):c.11070G>A (p.Val3690=)

Gene: VPS13D (vacuolar protein sorting 13 homolog D; plus strand). Cytogenetic location: 1p36.22.
Variant type: single nucleotide variant.
Coding change: c.11070G>A on transcript NM_015378.4 (MANE Select); coding-DNA position 11070, G replaced by A.
Protein change: p.Val3690=; no amino-acid change (valine 3690 retained).
Molecular consequence: synonymous variant.
Genome position (GRCh38, 1-based): chr1:12,378,580, G>A. VCF-style: chr1-12378580-G-A. GRCh37 (hg19) VCF-style: chr1-12438634-G-A.
Other names: c.10995G>A, p.Val3665= (NM_018156.4).
Identifiers: ClinVar variation 5039778 (VCV005039778.1).

ClinVar aggregate classification (germline): Likely benign (1 of 4 stars; one submission).

gnomAD v4.1: 1 of 1,571,602 alleles (0.000064%); highest among the groups gnomAD compares: Non-Finnish European, 0.000086%; no homozygotes.

Submission:

CeGaT Center for Human Genetics Tuebingen
Classification: Likely benign. Last evaluated: 2026-08-01. Review status: criteria provided, single submitter. Criteria: CeGaT Center For Human Genetics Tuebingen Variant Classification Criteria Version 2. Collection method: clinical testing. Allele origin: germline. Affected: yes. Observed: 1 variant allele.
Comment: VPS13D: BP4, BP7